The following is an entry in ClinVar:

ClinVar aggregate classification (germline): Uncertain significance (1 of 4 stars; one submission).

Conditions:
Cardiovascular phenotype. Identifiers: MedGen CN230736.

Allele frequency attached by ClinVar (database versions not stated): gnomAD exomes below 0.00001; ExAC 0.00002.
gnomAD v4.1: 2 of 1,612,962 alleles (0.00012%); highest among the groups gnomAD compares: Non-Finnish European, 0.00017%; no homozygotes.

Submission:

Ambry Genetics
Classification: Uncertain significance for Cardiovascular phenotype. Last evaluated: 2022-06-09. Review status: criteria provided, single submitter. Criteria: Ambry Variant Classification Scheme 2023. Collection method: clinical testing. Allele origin: germline.
Comment: The p.L178P variant (also known as c.533T>C), located in coding exon 3 of the PKP2 gene, results from a T to C substitution at nucleotide position 533. The leucine at codon 178 is replaced by proline, an amino acid with similar properties. This amino acid position is conserved. In addition, this alteration is predicted to be tolerated by in silico analysis. Since supporting evidence is limited at this time, the clinical significance of this alteration remains unclear.

NM_001005242.3(PKP2):c.533T>C (p.Leu178Pro)

Gene: PKP2 (plakophilin 2; minus strand). Cytogenetic location: 12p11.21.
Variant type: single nucleotide variant.
Coding change: c.533T>C on transcript NM_001005242.3 (MANE Select); coding-DNA position 533, T replaced by C.
Protein change: p.Leu178Pro; replaces leucine 178 with proline.
Molecular consequence: missense variant.
Genome position (GRCh38, 1-based): chr12:32,878,347, A>G on the plus strand (T>C on the coding strand, the complement: PKP2 is on the minus strand). VCF-style: chr12-32878347-A-G. GRCh37 (hg19) VCF-style: chr12-33031281-A-G.
Other names: c.533T>C, p.Leu178Pro (NM_001407155.1, NM_001407156.1, NM_001407157.1 and 2 more transcripts); c.206T>C, p.Leu69Pro (NM_001407158.1, NM_001407159.1, NM_001407160.1 and 1 more transcripts); short protein forms L178P, L69P.
Identifiers: ClinVar variation 1746932 (VCV001746932.2), dbSNP rs756113352, ClinGen allele CA037814.